The following is an entry in ClinVar:

NM_002691.4(POLD1):c.1113C>T (p.Tyr371=)

Gene: POLD1 (DNA polymerase delta 1, catalytic subunit; plus strand). Cytogenetic location: 19q13.33.
Variant type: single nucleotide variant.
Coding change: c.1113C>T on transcript NM_002691.4 (MANE Select); coding-DNA position 1113, C replaced by T.
Protein change: p.Tyr371=; no amino-acid change (tyrosine 371 retained).
Molecular consequence: synonymous variant. On other transcripts: non-coding transcript variant (1).
Genome position (GRCh38, 1-based): chr19:50,403,195, C>T. VCF-style: chr19-50403195-C-T. GRCh37 (hg19) VCF-style: chr19-50906452-C-T.
Other names: c.1113C>T, p.Tyr371= (NM_001256849.1, NM_001308632.1).
Identifiers: ClinVar variation 388542 (VCV000388542.31), dbSNP rs749234758, ClinGen allele CA9596022.
Genomic context (GRCh38, chr19:50,403,195, plus strand): 5'-ACGCCTGGCGCTCACCCTGCGGCCCTGTGCCCCCATCCTGGGTGCCAAGGTGCAGAGCTA[C>T]GAGAAGGAGGAGGACCTGCTGCAGGTAGCTCTCGCTCCACGCCCCACACCATTTCCCGGG-3'
Protein context (NP_002682.2, residues 361-381): APILGAKVQS[Tyr371=]EKEEDLLQAW

ClinVar aggregate classification (germline): Benign/Likely benign. Review status: criteria provided, multiple submitters, no conflicts (2 of 4 stars). 9 submissions from 9 submitters: Benign (1); Likely benign (8). Last evaluated 2026-03-10.

Conditions:
Hereditary cancer-predisposing syndrome. Also called: Neoplastic Syndromes, Hereditary; Hereditary neoplastic syndrome; Tumor predisposition; Hereditary Cancer Syndrome. Identifiers: Orphanet 140162, MedGen C0027672, MeSH D009386, MONDO:0015356.
POLD1-related polyposis and colorectal cancer syndrome (CRCS10). Also called: Colorectal cancer 10; Colorectal cancer, susceptibility to, 10; COLORECTAL CANCER, SUSCEPTIBILITY TO, ON CHROMOSOME 19q. Identifiers: Orphanet 220460, MedGen C2675481, MONDO:0012953, OMIM 612591.
POLD1-related disorder. Also called: POLD1-related disorders; POLD1-related condition.

Allele frequency attached by ClinVar (database versions not stated): gnomAD exomes 0.00002; gnomAD 0.00004 and 0.00005; ExAC 0.00005; TOPMed 0.00005.
gnomAD v4.1: 32 of 1,560,860 alleles (0.0021%); highest among the groups gnomAD compares: Middle Eastern, 0.018%; no homozygotes.

Submissions (9):

PreventionGenetics, part of Exact Sciences
Classification: Likely benign for POLD1-related condition. Last evaluated: 2026-03-10. Review status: criteria provided, single submitter. Criteria: ACMG Guidelines, 2015. Collection method: clinical testing. Allele origin: germline.
Comment: This variant is classified as likely benign based on ACMG/AMP sequence variant interpretation guidelines (Richards et al. 2015 PMID: 25741868, with internal and published modifications).

Labcorp Genetics (formerly Invitae), Labcorp
Classification: Likely benign for POLD1-related polyposis and colorectal cancer syndrome. Last evaluated: 2026-02-04. Review status: criteria provided, single submitter. Criteria: Invitae Variant Classification Sherloc (09022015). Collection method: clinical testing. Allele origin: germline.

Quest Diagnostics Nichols Institute San Juan Capistrano
Classification: Likely benign. Last evaluated: 2025-06-20. Review status: criteria provided, single submitter. Criteria: Quest Diagnostics criteria. Collection method: clinical testing. Allele origin: unknown.

CeGaT Center for Human Genetics Tuebingen
Classification: Likely benign. Last evaluated: 2025-06-01. Review status: criteria provided, single submitter. Criteria: CeGaT Center For Human Genetics Tuebingen Variant Classification Criteria Version 2. Collection method: clinical testing. Allele origin: germline. Affected: yes. Observed: 1 variant allele.
Comment: POLD1: BP4, BP7

Myriad Genetics, Inc.
Classification: Benign for POLD1-related polyposis and colorectal cancer syndrome. Last evaluated: 2025-02-05. Review status: criteria provided, single submitter. Criteria: Myriad Autosomal Dominant, Autosomal Recessive and X-Linked Classification Criteria (2023). Collection method: clinical testing. Allele origin: unknown.
Comment: This variant is considered benign. This variant is a silent/synonymous amino acid change and it is not expected to impact splicing.

KCCC/NGS Laboratory, Kuwait Cancer Control Center
Classification: Likely benign for POLD1-related polyposis and colorectal cancer syndrome. Last evaluated: 2023-07-07. Review status: criteria provided, single submitter. Criteria: ACMG Guidelines, 2015. Collection method: clinical testing. Allele origin: germline. Affected: yes.

Blueprint Genetics
Classification: Likely benign. Last evaluated: 2021-07-30. Review status: criteria provided, single submitter. Criteria: ACMG Guidelines, 2015. Collection method: clinical testing. Allele origin: germline.

GeneDx
Classification: Likely benign. Last evaluated: 2020-06-19. Review status: criteria provided, single submitter. Criteria: GeneDx Variant Classification Process June 2021. Collection method: clinical testing. Allele origin: germline. Affected: yes.

Ambry Genetics
Classification: Likely benign for Hereditary cancer-predisposing syndrome. Last evaluated: 2016-06-28. Review status: criteria provided, single submitter. Criteria: Ambry Variant Classification Scheme 2023. Collection method: clinical testing. Allele origin: germline.

Literature cited by the submitters: PubMed 30306255 (cited by Quest Diagnostics Nichols Institute San Juan Capistrano); PubMed 39379762 (cited by Quest Diagnostics Nichols Institute San Juan Capistrano).